The following is an entry in ClinVar:

NM_020822.3(KCNT1):c.3290G>T (p.Gly1097Val)

Gene: KCNT1 (potassium sodium-activated channel subfamily T member 1; plus strand). Cytogenetic location: 9q34.3.
Variant type: single nucleotide variant.
Coding change: c.3290G>T on transcript NM_020822.3 (MANE Select); coding-DNA position 3290, G replaced by T.
Protein change: p.Gly1097Val; replaces glycine 1097 with valine.
Molecular consequence: missense variant.
Genome position (GRCh38, 1-based): chr9:135,786,309, G>T. VCF-style: chr9-135786309-G-T. GRCh37 (hg19) VCF-style: chr9-138678155-G-T.
Other names: c.3155G>T, p.Gly1052Val (NM_001272003.2); short protein forms G1052V, G1097V.
Identifiers: ClinVar variation 1712290 (VCV001712290.6), dbSNP rs958314822, ClinGen allele CA201424024.

ClinVar aggregate classification (germline): Uncertain significance. Review status: criteria provided, multiple submitters, no conflicts (2 of 4 stars). 2 submissions from 2 submitters: Uncertain significance (2). Last evaluated 2025-01-30.

Conditions:
Autosomal dominant nocturnal frontal lobe epilepsy 5. Also called: CILIARY DYSKINESIA, PRIMARY, 28, WITHOUT SITUS INVERSUS; CILIARY DYSKINESIA, PRIMARY, 28, WITH SITUS INVERSUS; Epilepsy, nocturnal frontal lobe, 5; KCNT1-Related Epilepsy. Identifiers: Orphanet 98784, MedGen C3554306, MONDO:0014002, OMIM 615005.
Developmental and epileptic encephalopathy, 14 (DEE14). Also called: Early infantile epileptic encephalopathy 14. Identifiers: Orphanet 293181, MedGen C3554195, MONDO:0013989, OMIM 614959.

Allele frequency attached by ClinVar (database versions not stated): gnomAD 0.00001; TOPMed 0.00003.
gnomAD v4.1: 2 of 1,601,876 alleles (0.00012%); highest among the groups gnomAD compares: African/African-American, 0.0027%; no homozygotes.

Submissions (2):

Labcorp Genetics (formerly Invitae), Labcorp
Classification: Uncertain significance for Autosomal dominant nocturnal frontal lobe epilepsy 5; Developmental and epileptic encephalopathy, 14. Last evaluated: 2025-01-30. Review status: criteria provided, single submitter. Criteria: Invitae Variant Classification Sherloc (09022015). Collection method: clinical testing. Allele origin: germline.
Comment: This sequence change replaces glycine, which is neutral and non-polar, with valine, which is neutral and non-polar, at codon 1097 of the KCNT1 protein (p.Gly1097Val). This variant is not present in population databases (gnomAD no frequency). This variant has not been reported in the literature in individuals affected with KCNT1-related conditions. ClinVar contains an entry for this variant (Variation ID: 1712290). Invitae Evidence Modeling of protein sequence and biophysical properties (such as structural, functional, and spatial information, amino acid conservation, physicochemical variation, residue mobility, and thermodynamic stability) indicates that this missense variant is not expected to disrupt KCNT1 protein function with a negative predictive value of 80%. In summary, the available evidence is currently insufficient to determine the role of this variant in disease. Therefore, it has been classified as a Variant of Uncertain Significance.

UNC Molecular Genetics  Laboratory, University of North Carolina at Chapel Hill
Classification: Uncertain significance for Developmental and epileptic encephalopathy, 14. Last evaluated: 2021-06-29. Review status: criteria provided, single submitter. Criteria: ACMG Guidelines, 2015. Collection method: research. Allele origin: unknown. Observed: 1 variant allele. Study: CSER_NCGENES_2.
Comment: The KCNT1 c.3290G>T p.(Gly1097Val) missense variant is predicted to change a single amino acid in the encoded protein from a glycine to valine. To our knowledge, this variant has not been previously reported in affected individuals. This variant is rare in human populations; it is absent from gnomAD v2.1.1 and is present in gnomAD v3.1.2 with a global minor allele frequency of 0.00065% (1 allele/152,140 alleles, 0 homozygotes). Computational predictions and conservation analyses suggest this variant is unlikely to impact protein function. Given the available evidence, this variant is classified a variant of uncertain significance.